The following is an entry in ClinVar:

ClinVar aggregate classification (germline): Uncertain significance (1 of 4 stars; one submission).

Conditions:
Melanoma, cutaneous malignant, susceptibility to, 8. Also called: Cutaneous malignant melanoma 8; MELANOMA AND RENAL CELL CARCINOMA, SUSCEPTIBILITY TO. Identifiers: Orphanet 293822, MedGen C3152204, MONDO:0013759, OMIM 614456.
Tietz syndrome (TADS). Also called: ALBINISM-DEAFNESS OF TIETZ; HYPOPIGMENTATION/DEAFNESS OF TIETZ; TIETZ ALBINISM-DEAFNESS SYNDROME. Identifiers: Orphanet 42665, MedGen C0391816, MONDO:0007077, OMIM 103500.
Waardenburg syndrome type 2A (WS2A). Also called: WAARDENBURG SYNDROME WITHOUT DYSTOPIA CANTHORUM. Identifiers: Orphanet 3440, MedGen C1860339, MONDO:0008671, OMIM 193510.

Submission:

Labcorp Genetics (formerly Invitae), Labcorp
Classification: Uncertain significance for Melanoma, cutaneous malignant, susceptibility to, 8; Waardenburg syndrome type 2A; Tietz syndrome. Last evaluated: 2023-01-28. Review status: criteria provided, single submitter. Criteria: Invitae Variant Classification Sherloc (09022015). Collection method: clinical testing. Allele origin: germline.
Comment: This sequence change replaces asparagine, which is neutral and polar, with lysine, which is basic and polar, at codon 8 of the MITF protein (p.Asn8Lys). This variant is not present in population databases (gnomAD no frequency). This variant has not been reported in the literature in individuals affected with MITF-related conditions. Algorithms developed to predict the effect of missense changes on protein structure and function (SIFT, PolyPhen-2, Align-GVGD) all suggest that this variant is likely to be tolerated. In summary, the available evidence is currently insufficient to determine the role of this variant in disease. Therefore, it has been classified as a Variant of Uncertain Significance.

NM_000248.4(MITF):c.24T>A (p.Asn8Lys)

Gene: MITF (melanocyte inducing transcription factor; plus strand). Cytogenetic location: 3p13.
Variant type: single nucleotide variant.
Coding change: c.24T>A on transcript NM_000248.4 (MANE Plus Clinical); coding-DNA position 24, T replaced by A.
Protein change: p.Asn8Lys; replaces asparagine 8 with lysine.
Molecular consequence: missense variant. On other transcripts: intron variant (9).
Genome position (GRCh38, 1-based): chr3:69,936,746, T>A. VCF-style: chr3-69936746-T-A. GRCh37 (hg19) VCF-style: chr3-69985897-T-A.
Other names: c.24T>A, p.Asn8Lys (NM_001184968.2, NM_198158.3, NM_198178.3); c.304-1076T>A (NM_001354607.2); c.199-1076T>A (NM_001354608.2, NM_001184967.2); c.355-1076T>A (NM_001354604.2, NM_198159.3); c.352-1076T>A (NM_001354605.2, NM_001354606.2, NM_006722.3); c.307-1076T>A (NM_198177.3); short protein forms N8K.
Identifiers: ClinVar variation 2943692 (VCV002943692.3), dbSNP rs2471579570, ClinGen allele CA353560207.